The following is an entry in ClinVar:

ClinVar aggregate classification (germline): Likely benign (0 of 4 stars; one submission).

Conditions:
CYP1A1-related disorder. Also called: CYP1A1-related condition.

Allele frequency attached by ClinVar (database versions not stated): TOPMed 0.00002.
gnomAD v4.1: 3 of 1,614,204 alleles (0.00019%); highest among the groups gnomAD compares: Non-Finnish European, 0.000085%; no homozygotes.

Submission:

PreventionGenetics, part of Exact Sciences
Classification: Likely benign for CYP1A1-related condition. Last evaluated: 2019-05-30. Review status: no assertion criteria provided. Collection method: clinical testing. Allele origin: germline.
Comment: This variant is classified as likely benign based on ACMG/AMP sequence variant interpretation guidelines (Richards et al. 2015 PMID: 25741868, with internal and published modifications).

NM_001319217.2(CYP1A1):c.1194C>G (p.Gly398=)

Gene: CYP1A1 (cytochrome P450 family 1 subfamily A member 1; minus strand). Cytogenetic location: 15q24.1.
Variant type: single nucleotide variant.
Coding change: c.1194C>G on transcript NM_001319217.2 (MANE Select); coding-DNA position 1194, C replaced by G.
Protein change: p.Gly398=; no amino-acid change (glycine 398 retained).
Molecular consequence: synonymous variant. On other transcripts: intron variant (1).
Genome position (GRCh38, 1-based): chr15:74,721,026, G>C on the plus strand (C>G on the coding strand, the complement: CYP1A1 is on the minus strand). VCF-style: chr15-74721026-G-C. GRCh37 (hg19) VCF-style: chr15-75013367-G-C.
Other names: c.1194C>G, p.Gly398= (NM_000499.5); c.1166+173C>G (NM_001319216.2).
Identifiers: ClinVar variation 3044912 (VCV003044912.2), dbSNP rs1349977436, ClinGen allele CA491488249.